The following is an entry in ClinVar:

ClinVar aggregate classification (germline): Conflicting classifications of pathogenicity. Review status: criteria provided, conflicting classifications (1 of 4 stars). 5 submissions from 5 submitters: Uncertain significance (4); Likely benign (1). Last evaluated 2025-11-03.

Conditions:
Inborn genetic diseases. Identifiers: MedGen C0950123, MeSH D030342.
Ullrich congenital muscular dystrophy 2 (UCMD2). Identifiers: Orphanet 75840, MedGen C4225314, MONDO:0014654, OMIM 616470.
Bethlem myopathy 2 (BTHLM2). Identifiers: Orphanet 536516, Orphanet 610, MedGen C4225313, MONDO:0034022, OMIM 616471.
COL12A1-related disorder. Also called: COL12A1-related condition.

Allele frequency attached by ClinVar (database versions not stated): ExAC 0.00001; gnomAD exomes 0.00002; TOPMed 0.00002; gnomAD 0.00003.
gnomAD v4.1: 37 of 1,613,960 alleles (0.0023%); highest among the groups gnomAD compares: East Asian, 0.0067%; no homozygotes.

Submissions (5):

Labcorp Genetics (formerly Invitae), Labcorp
Classification: Likely benign for Bethlem myopathy 2; Ullrich congenital muscular dystrophy 2. Last evaluated: 2025-11-03. Review status: criteria provided, single submitter. Criteria: Invitae Variant Classification Sherloc (09022015). Collection method: clinical testing. Allele origin: germline.

Ambry Genetics
Classification: Uncertain significance for Inborn genetic diseases. Last evaluated: 2025-08-03. Review status: criteria provided, single submitter. Criteria: Ambry Variant Classification Scheme 2023. Collection method: clinical testing. Allele origin: germline.

Blueprint Genetics
Classification: Uncertain significance. Last evaluated: 2024-10-08. Review status: criteria provided, single submitter. Criteria: ACMG Guidelines, 2015. Collection method: clinical testing. Allele origin: germline.

PreventionGenetics, part of Exact Sciences
Classification: Uncertain significance for COL12A1-related condition. Last evaluated: 2023-01-24. Review status: criteria provided, single submitter. Criteria: ACMG Guidelines, 2015. Collection method: clinical testing. Allele origin: germline.
Comment: The COL12A1 c.4918G>A variant is predicted to result in the amino acid substitution p.Glu1640Lys. To our knowledge, this variant has not been reported in the literature. This variant is reported in 0.0041% of alleles in individuals of African descent in gnomAD. At this time, the clinical significance of this variant is uncertain due to the absence of conclusive functional and genetic evidence.

GeneDx
Classification: Uncertain significance. Last evaluated: 2019-04-08. Review status: criteria provided, single submitter. Criteria: GeneDx Variant Classification Process June 2021. Collection method: clinical testing. Allele origin: germline. Affected: yes.
Comment: Has not been previously published as pathogenic or benign to our knowledge; Not observed at a significant frequency in large population cohorts (Lek et al., 2016); In silico analysis, which includes protein predictors and evolutionary conservation, supports a deleterious effect

NM_004370.6(COL12A1):c.4918G>A (p.Glu1640Lys)

Gene: COL12A1 (collagen type XII alpha 1 chain; minus strand). Cytogenetic location: 6q13.
Variant type: single nucleotide variant.
Coding change: c.4918G>A on transcript NM_004370.6 (MANE Select); coding-DNA position 4918, G replaced by A.
Protein change: p.Glu1640Lys; replaces glutamic acid 1640 with lysine.
Molecular consequence: missense variant.
Genome position (GRCh38, 1-based): chr6:75,142,071, C>T on the plus strand (G>A on the coding strand, the complement: COL12A1 is on the minus strand). VCF-style: chr6-75142071-C-T. GRCh37 (hg19) VCF-style: chr6-75851787-C-T.
Other names: c.1426G>A, p.Glu476Lys (NM_080645.3); short protein forms E1640K, E476K.
Identifiers: ClinVar variation 648418 (VCV000648418.13), dbSNP rs780206104, ClinGen allele CA3893310.